The following is an entry in ClinVar:

ClinVar aggregate classification (germline): Benign. Review status: criteria provided, multiple submitters, no conflicts (2 of 4 stars). 2 submissions from 2 submitters: Benign (2). Last evaluated 2018-06-15.

Allele frequency attached by ClinVar (database versions not stated): gnomAD 0.47875 and 0.48435; TOPMed 0.48473; 1000 Genomes Project 30x 0.55122; 1000 Genomes Project 0.55631.
gnomAD v4.1: 354,752 of 769,844 alleles (46%); highest among the groups gnomAD compares: East Asian, 81%; 85,591 homozygotes.

Submissions (2):

GeneDx
Classification: Benign. Last evaluated: 2018-06-15. Review status: criteria provided, single submitter. Criteria: GeneDx Variant Classification (06012015). Collection method: clinical testing. Allele origin: germline. Affected: yes.
Comment: This variant is considered likely benign or benign based on one or more of the following criteria: it is a conservative change, it occurs at a poorly conserved position in the protein, it is predicted to be benign by multiple in silico algorithms, and/or has population frequency not consistent with disease.

Breakthrough Genomics
Classification: Benign. Review status: criteria provided, single submitter. Criteria: ACMG Guidelines, 2015. Collection method: not provided. Allele origin: germline. Inheritance: Autosomal dominant inheritance. Affected: yes.

NM_001035.3(RYR2):c.7824+97C>A

Gene: RYR2 (ryanodine receptor 2; plus strand). Cytogenetic location: 1q43.
Variant type: single nucleotide variant.
Coding change: c.7824+97C>A on transcript NM_001035.3 (MANE Select); 97 bases into the intron after coding-DNA position 7824, C replaced by A.
Molecular consequence: intron variant.
Genome position (GRCh38, 1-based): chr1:237,651,598, C>A. VCF-style: chr1-237651598-C-A. GRCh37 (hg19) VCF-style: chr1-237814898-C-A.
Identifiers: ClinVar variation 671207 (VCV000671207.2), dbSNP rs2184014, ClinGen allele CA15146005.
Genomic context (GRCh38, chr1:237,651,598, plus strand): 5'-GGCTTCTCTGACTTTATTTTCTATGACAACATATACATTTCTTAGATACATCATGCTTGA[C>A]GCTGGGAAATTTCTCCCAATTATTGAAATGGGCATAGAAGTTATAGGAATGTATACATCA-3'